The following is an entry in ClinVar:

ClinVar aggregate classification (germline): Likely benign. Review status: criteria provided, multiple submitters, no conflicts (2 of 4 stars). 6 submissions from 6 submitters: Likely benign (5). 1 of the submissions does not count toward it. Last evaluated 2025-07-29.

Conditions:
PCDH19-related disorder. Also called: PCDH19-related condition.
Inborn genetic diseases. Identifiers: MedGen C0950123, MeSH D030342.
Developmental and epileptic encephalopathy, 9 (DEE9). Also called: EPILEPSY, FEMALE-RESTRICTED, WITH MENTAL RETARDATION; JUBERG-HELLMAN SYNDROME; PCDH19-Related X-Linked Female-Limited Epilepsy with Mental Retardation; Early infantile epileptic encephalopathy 9. Identifiers: Orphanet 101039, Orphanet 2076, MedGen C1848137, MONDO:0010246, OMIM 300088. Disease mechanism: loss of function.

Allele frequency attached by ClinVar (database versions not stated): gnomAD 0.00002 and 0.00003; gnomAD exomes 0.00002 and 0.00006; TOPMed 0.00003; ExAC 0.00005; 1000 Genomes Project 0.00026; 1000 Genomes Project 30x 0.00042.
gnomAD v4.1: 63 of 1,190,440 alleles (0.0053%); highest among the groups gnomAD compares: Non-Finnish European, 0.0069%; no homozygotes.

Submissions (6):

Labcorp Genetics (formerly Invitae), Labcorp
Classification: Likely benign for Developmental and epileptic encephalopathy, 9. Last evaluated: 2025-07-29. Review status: criteria provided, single submitter. Criteria: Invitae Variant Classification Sherloc (09022015). Collection method: clinical testing. Allele origin: germline.

Blueprint Genetics
Classification: Likely benign. Last evaluated: 2023-11-22. Review status: criteria provided, single submitter. Criteria: ACMG Guidelines, 2015. Collection method: clinical testing. Allele origin: germline.

GeneDx
Classification: Likely benign. Last evaluated: 2021-05-17. Review status: criteria provided, single submitter. Criteria: GeneDx Variant Classification Process June 2021. Collection method: clinical testing. Allele origin: germline. Affected: yes.

Ambry Genetics
Classification: Likely benign for Inborn genetic diseases. Last evaluated: 2017-07-10. Review status: criteria provided, single submitter. Criteria: Ambry Variant Classification Scheme 2023. Collection method: clinical testing. Allele origin: germline.

Breakthrough Genomics
Classification: Likely benign. Review status: criteria provided, single submitter. Criteria: ACMG Guidelines, 2015. Collection method: not provided. Allele origin: germline. Inheritance: X-linked inheritance. Affected: yes.

PreventionGenetics, part of Exact Sciences
Classification: Likely benign for PCDH19-related condition. Last evaluated: 2019-06-10. Review status: no assertion criteria provided. Collection method: clinical testing. Allele origin: germline. Not counted in ClinVar's aggregate classification.
Comment: This variant is classified as likely benign based on ACMG/AMP sequence variant interpretation guidelines (Richards et al. 2015 PMID: 25741868, with internal and published modifications).

NM_001184880.2(PCDH19):c.39C>T (p.Ala13=)

Gene: PCDH19 (protocadherin 19; minus strand). Cytogenetic location: Xq22.1.
Variant type: single nucleotide variant.
Coding change: c.39C>T on transcript NM_001184880.2 (MANE Select); coding-DNA position 39, C replaced by T.
Protein change: p.Ala13=; no amino-acid change (alanine 13 retained).
Molecular consequence: synonymous variant.
Genome position (GRCh38, 1-based): chrX:100,408,559, G>A on the plus strand (C>T on the coding strand, the complement: PCDH19 is on the minus strand). VCF-style: chrX-100408559-G-A. GRCh37 (hg19) VCF-style: chrX-99663557-G-A.
Other names: c.39C>T, p.Ala13= (NM_001105243.2, NM_020766.3).
Identifiers: ClinVar variation 695577 (VCV000695577.19), dbSNP rs773244265, ClinGen allele CA10469023.